The following is an entry in ClinVar:

NM_002180.3(IGHMBP2):c.1156T>C (p.Trp386Arg)

Gene: IGHMBP2 (immunoglobulin mu DNA binding protein 2; plus strand). Cytogenetic location: 11q13.3.
Variant type: single nucleotide variant.
Coding change: c.1156T>C on transcript NM_002180.3 (MANE Select); coding-DNA position 1156, T replaced by C.
Protein change: p.Trp386Arg; replaces tryptophan 386 with arginine.
Molecular consequence: missense variant.
Genome position (GRCh38, 1-based): chr11:68,929,278, T>C. VCF-style: chr11-68929278-T-C. GRCh37 (hg19) VCF-style: chr11-68696746-T-C.
Other names: short protein forms W386R.
Identifiers: ClinVar variation 573815 (VCV000573815.21), dbSNP rs759641927, ClinGen allele CA6153535.

ClinVar aggregate classification (germline): Pathogenic/Likely pathogenic. Review status: criteria provided, multiple submitters, no conflicts (2 of 4 stars). 9 submissions from 9 submitters: Pathogenic (3); Likely pathogenic (4). 2 of the submissions do not count toward it. Last evaluated 2026-04-23.

Conditions:
Autosomal recessive distal spinal muscular atrophy 1. Also called: NEURONOPATHY, DISTAL HEREDITARY MOTOR, HARDING TYPE VI; NEUROPATHY, DISTAL HEREDITARY MOTOR, AUTOSOMAL RECESSIVE 1; HMN VI; NEURONOPATHY, SEVERE INFANTILE AXONAL, WITH RESPIRATORY FAILURE; SEVERE INFANTILE AXONAL NEUROPATHY WITH RESPIRATORY FAILURE; SPINAL MUSCULAR ATROPHY, DIAPHRAGMATIC. Identifiers: Orphanet 98920, MedGen C1858517, MONDO:0011436, OMIM 604320.
IGHMBP2-related disorder. Also called: IGHMBP2-related condition; IGHMBP2-related disorders.
Inborn genetic diseases. Identifiers: MedGen C0950123, MeSH D030342.
Distal spinal muscular atrophy. Also called: Distal hereditary motor neuropathy; Distal hereditary motor neuronopathy. Identifiers: Orphanet 53739, MedGen C0393541, MONDO:0018894.
Autosomal recessive IGHMBP2-related disorders.
Charcot-Marie-Tooth disease axonal type 2S. Also called: CHARCOT-MARIE-TOOTH NEUROPATHY, TYPE 2S; CHARCOT-MARIE-TOOTH DISEASE, AXONAL, AUTOSOMAL RECESSIVE, TYPE 2S. Identifiers: Orphanet 443073, MedGen C4015349, MONDO:0014511, OMIM 616155.

Allele frequency attached by ClinVar (database versions not stated): ExAC 0.00002; gnomAD 0.00002 and 0.00003; gnomAD exomes 0.00002 and 0.00005; TOPMed 0.00003.
gnomAD v4.1: 71 of 1,613,726 alleles (0.0044%); highest among the groups gnomAD compares: Non-Finnish European, 0.0058%; no homozygotes.

Submissions (9):

PreventionGenetics, part of Exact Sciences
Classification: Pathogenic for IGHMBP2-related condition. Last evaluated: 2026-04-23. Review status: criteria provided, single submitter. Criteria: ACMG Guidelines, 2015. Collection method: clinical testing. Allele origin: germline.
Comment: The IGHMBP2 c.1156T>C variant is predicted to result in the amino acid substitution p.Trp386Arg. This variant has been reported in the compound heterozygous state in multiple patients with spinal muscular atrophy with respiratory distress (Guenther et al. 2007. PubMed ID: 17431882) and Charcot-Marie-Tooth type 2S (Cottenie et al. 2014. PubMed ID: 25439726; Kulshrestha et al. 2018. PubMed ID: 30409445). This variant is reported in 0.0046% of alleles in individuals of European (Non-Finnish) descent in gnomAD. This variant is interpreted as pathogenic.

Variantyx, Inc.
Classification: Likely pathogenic for Autosomal recessive IGHMBP2-related disorders. Last evaluated: 2025-09-25. Review status: criteria provided, single submitter. Criteria: Variantyx Assertion Criteria 2022. Collection method: clinical testing. Allele origin: germline. Inheritance: Autosomal recessive inheritance. Affected: no.
Comment: This is a nonsynonymous variant in the IGHMBP2 gene (OMIM: 600502). Pathogenic variants in this gene have been associated with autosomal recessive IGHMBP2-related disorders. This variant has been identified in the homozygous or compound heterozygous state in at least four individuals reported in the published literature (PMID: 17431882, 25439726, 30409445) (PM3_Strong). Multiple computational algorithms predict a deleterious effect for this variant (REVEL score: 0.939) (PP3). It has a 0.0058% maximum allele frequency in non-founder control populations (PM2). Based on the current evidence, this variant is classified as likely pathogenic for autosomal recessive IGHMBP2-related disorders.

Labcorp Genetics (formerly Invitae), Labcorp
Classification: Pathogenic for Autosomal recessive distal spinal muscular atrophy 1; Charcot-Marie-Tooth disease axonal type 2S. Last evaluated: 2024-12-10. Review status: criteria provided, single submitter. Criteria: Invitae Variant Classification Sherloc (09022015). Collection method: clinical testing. Allele origin: germline.
Comment: This sequence change replaces tryptophan, which is neutral and slightly polar, with arginine, which is basic and polar, at codon 386 of the IGHMBP2 protein (p.Trp386Arg). This variant is present in population databases (rs759641927, gnomAD 0.006%). This missense change has been observed in individual(s) with spinal muscular atrophy with respiratory distress (SMARD), Charcot-Marie-Tooth disease type 2 (CMT2), and with hereditary motor and sensory neuropathy (PMID: 17431882, 25439726; internal data). In at least one individual the data is consistent with being in trans (on the opposite chromosome) from a pathogenic variant. ClinVar contains an entry for this variant (Variation ID: 573815). Invitae Evidence Modeling of protein sequence and biophysical properties (such as structural, functional, and spatial information, amino acid conservation, physicochemical variation, residue mobility, and thermodynamic stability) indicates that this missense variant is expected to disrupt IGHMBP2 protein function with a positive predictive value of 95%. For these reasons, this variant has been classified as Pathogenic.

Ambry Genetics
Classification: Likely pathogenic for Inborn genetic diseases. Last evaluated: 2023-06-07. Review status: criteria provided, single submitter. Criteria: Ambry Variant Classification Scheme 2023. Collection method: clinical testing. Allele origin: germline.
Comment: The c.1156T>C (p.W386R) alteration is located in exon 8 (coding exon 8) of the IGHMBP2 gene. This alteration results from a T to C substitution at nucleotide position 1156, causing the tryptophan (W) at amino acid position 386 to be replaced by an arginine (R). Based on data from gnomAD, the C allele has an overall frequency of 0.002% (7/282524) total alleles studied. The highest observed frequency was 0.005% (6/129074) of European (non-Finnish) alleles. This alteration was detected in conjunction with another alteration in IGHMBP2, in multiple individuals with features of IGHMBP2-related neuropathy (Kulshrestha, 2018; Cottenie, 2014; Guenther, 2007). This amino acid position is highly conserved in available vertebrate species. This alteration is predicted to be deleterious by in silico analysis. Based on the available evidence, this alteration is classified as likely pathogenic.

Baylor Genetics
Classification: Pathogenic for Autosomal recessive distal spinal muscular atrophy 1. Last evaluated: 2021-03-08. Review status: criteria provided, single submitter. Criteria: ACMG Guidelines, 2015. Collection method: clinical testing. Allele origin: unknown.

Revvity Omics, Revvity
Classification: Likely pathogenic. Last evaluated: 2020-02-26. Review status: criteria provided, single submitter. Criteria: ACMG Guidelines, 2015. Collection method: clinical testing. Allele origin: germline.

Fulgent Genetics
Classification: Likely pathogenic for Autosomal recessive distal spinal muscular atrophy 1; Charcot-Marie-Tooth disease axonal type 2S. Last evaluated: 2018-10-31. Review status: criteria provided, single submitter. Criteria: ACMG Guidelines, 2015. Collection method: clinical testing. Allele origin: unknown.

Genesis Genome Database
Classification: Uncertain significance for Distal spinal muscular atrophy. Last evaluated: 2019-08-14. Review status: no assertion criteria provided. Collection method: research. Allele origin: germline. Affected: yes. Not counted in ClinVar's aggregate classification.

Inherited Neuropathy Consortium
Classification: Uncertain significance for Distal spinal muscular atrophy. Review status: no assertion criteria provided. Collection method: literature only. Allele origin: germline. Affected: yes. Not counted in ClinVar's aggregate classification.

Literature cited by the submitters: PubMed 17431882 (cited by 4 submitters); PubMed 25439726 (cited by 3 submitters); PubMed 30409445 (cited by Variantyx, Inc. and Ambry Genetics).